The following is an entry in ClinVar:

ClinVar aggregate classification (germline): Conflicting classifications of pathogenicity. Review status: criteria provided, conflicting classifications (1 of 4 stars). 2 submissions from 2 submitters: Likely pathogenic (1); Uncertain significance (1). Last evaluated 2023-06-02.

Conditions:
Hereditary breast ovarian cancer syndrome. Also called: Hereditary breast and/or ovarian cancer syndrome; BRCA1- and BRCA2-Associated Hereditary Breast and Ovarian Cancer; Hereditary breast and ovarian cancer syndrome; Hereditary breast and ovarian cancer; Hereditary breast and ovarian cancer syndrome (HBOC); Breast and ovarian cancer. Identifiers: Orphanet 145, MedGen C0677776, MeSH D061325, MONDO:0003582. Disease mechanism: loss of function.
Breast-ovarian cancer, familial, susceptibility to, 1 (BROVCA1). Also called: BRCA1 Hereditary Breast and Ovarian Cancer; OVARIAN CANCER, SUSCEPTIBILITY TO. Identifiers: Orphanet 145, MedGen C2676676, MONDO:0011450, OMIM 604370. Disease mechanism: loss of function.

Submissions (3):

Myriad Genetics, Inc.
Classification: Likely pathogenic for Breast-ovarian cancer, familial, susceptibility to, 1. Last evaluated: 2023-06-02. Review status: criteria provided, single submitter. Criteria: Myriad Autosomal Dominant, Autosomal Recessive and X-Linked Classification Criteria (2023). Collection method: clinical testing. Allele origin: unknown.
Comment: This variant is considered likely pathogenic. Functional studies indicate this variant impacts protein function [PMID: 30209399, 35196514].

Labcorp Genetics (formerly Invitae), Labcorp
Classification: Uncertain significance for Hereditary breast ovarian cancer syndrome. Last evaluated: 2020-02-25. Review status: criteria provided, single submitter. Criteria: Invitae Variant Classification Sherloc (09022015). Collection method: clinical testing. Allele origin: germline.
Comment: This sequence change replaces phenylalanine with serine at codon 1704 of the BRCA1 protein (p.Phe1704Ser). The phenylalanine residue is highly conserved and there is a large physicochemical difference between phenylalanine and serine. This variant is not present in population databases (ExAC no frequency). This variant has not been reported in the literature in individuals with BRCA1-related conditions. This variant has been reported to affect BRCA1 protein function (PMID: 12496477, 30209399). In summary, the available evidence is currently insufficient to determine the role of this variant in disease. Therefore, it has been classified as a Variant of Uncertain Significance.

Brotman Baty Institute, University of Washington
No classification provided (evidence only). Condition: Breast-ovarian cancer, familial 1. Review status: no classification provided. Collection method: in vitro. Allele origin: not applicable. Functional consequence: functionally_abnormal. Not counted in ClinVar's aggregate classification.
ClinVar note: "not provided" was previously submitted as the classification for the variant. However, the classification appeared to be based only on an observation of functional data so it was converted to no classification on 2025-07-30.

Literature cited by the submitters: PubMed 30209399 (cited by Myriad Genetics, Inc. and Labcorp Genetics (formerly Invitae), Labcorp); PubMed 35196514 (cited by Myriad Genetics, Inc.); PubMed 12496477 (cited by Labcorp Genetics (formerly Invitae), Labcorp).

NM_007294.4(BRCA1):c.5111T>C (p.Phe1704Ser)

Gene: BRCA1 (BRCA1 DNA repair associated; minus strand). Cytogenetic location: 17q21.31.
Variant type: single nucleotide variant.
Coding change: c.5111T>C on transcript NM_007294.4 (MANE Select); coding-DNA position 5111, T replaced by C.
Protein change: p.Phe1704Ser; replaces phenylalanine 1704 with serine.
Molecular consequence: missense variant. On other transcripts: non-coding transcript variant (1).
Genome position (GRCh38, 1-based): chr17:43,063,915, A>G on the plus strand (T>C on the coding strand, the complement: BRCA1 is on the minus strand). VCF-style: chr17-43063915-A-G. GRCh37 (hg19) VCF-style: chr17-41215932-A-G.
Other names: c.4898T>C, p.Phe1633Ser (NM_001407571.1, NM_001407894.1, NM_001407895.1 and 12 more transcripts); c.5177T>C, p.Phe1726Ser (NM_001407581.1, NM_001407582.1); c.5174T>C, p.Phe1725Ser (NM_001407583.1, NM_001407585.1, NM_001407587.1 and 1 more transcripts); c.5171T>C, p.Phe1724Ser (NM_001407590.1, NM_001407591.1); c.5111T>C, p.Phe1704Ser (NM_001407593.1, NM_001407594.1, NM_001407596.1 and 7 more transcripts); c.5108T>C, p.Phe1703Ser (NM_001407615.1, NM_001407616.1, NM_001407617.1 and 17 more transcripts); c.5105T>C, p.Phe1702Ser (NM_001407634.1, NM_001407635.1, NM_001407636.1 and 14 more transcripts); c.5030T>C, p.Phe1677Ser (NM_001407657.1, NM_001407658.1, NM_001407656.1); and 71 more; short protein forms F1725S, F600S, F1657S, F1704S, F1408S, F1535S, F1550S, F1576S.
Identifiers: ClinVar variation 864965 (VCV000864965.15), dbSNP rs1555578598, ClinGen allele CA10591307.